The following is an entry in ClinVar:

NM_001165963.4(SCN1A):c.861G>C (p.Leu287Phe)

Gene: SCN1A (sodium voltage-gated channel alpha subunit 1; minus strand). Cytogenetic location: 2q24.3.
Variant type: single nucleotide variant.
Coding change: c.861G>C on transcript NM_001165963.4 (MANE Select); coding-DNA position 861, G replaced by C.
Protein change: p.Leu287Phe; replaces leucine 287 with phenylalanine.
Molecular consequence: missense variant. On other transcripts: 5 prime UTR variant (1), non-coding transcript variant (1).
Genome position (GRCh38, 1-based): chr2:166,051,822, C>G on the plus strand (G>C on the coding strand, the complement: SCN1A is on the minus strand). VCF-style: chr2-166051822-C-G. GRCh37 (hg19) VCF-style: chr2-166908332-C-G.
Other names: c.861G>C, p.Leu287Phe (NM_001165964.3, NM_001202435.3, NM_001353948.2 and 10 more transcripts); c.-1565G>C (NM_001353961.2); short protein forms L287F.
Identifiers: ClinVar variation 1424312 (VCV001424312.9), dbSNP rs568461410, ClinGen allele CA349072907.
Genomic context (GRCh38, chr2:166,051,822, plus strand): 5'-TTCATTTATAAGTGTACCATTATAATTCACAGTTATATTCTTTTCTATACTATGTTCCTC[C>G]AAGGAAGCATTGGTGGGAGGCCATTGTATACATTTATTCCTCAGGTTGCCCATGAACAGC-3'
Protein context (NP_001159435.1, residues 277-297): CIQWPPTNAS[Leu287Phe]EEHSIEKNIT

ClinVar aggregate classification (germline): Uncertain significance (1 of 4 stars; one submission).

Conditions:
Early-infantile DEE. Also called: Ohtahara syndrome; Early infantile epileptic encephalopathy with suppression bursts; Early infantile epileptic encephalopathy. Identifiers: Orphanet 1934, MedGen C0393706, MONDO:0800491.

Submission:

Labcorp Genetics (formerly Invitae), Labcorp
Classification: Uncertain significance for Early-infantile DEE. Last evaluated: 2020-11-18. Review status: criteria provided, single submitter. Criteria: Invitae Variant Classification Sherloc (09022015). Collection method: clinical testing. Allele origin: germline.
Comment: In summary, the available evidence is currently insufficient to determine the role of this variant in disease. Therefore, it has been classified as a Variant of Uncertain Significance. Advanced modeling of protein sequence and biophysical properties (such as structural, functional, and spatial information, amino acid conservation, physicochemical variation, residue mobility, and thermodynamic stability) performed at Invitae indicates that this missense variant is not expected to disrupt SCN1A protein function. This variant has not been reported in the literature in individuals with SCN1A-related conditions. This variant is not present in population databases (ExAC no frequency). This sequence change replaces leucine with phenylalanine at codon 287 of the SCN1A protein (p.Leu287Phe). The leucine residue is highly conserved and there is a small physicochemical difference between leucine and phenylalanine.